The following is an entry in ClinVar:

ClinVar aggregate classification (germline): Uncertain significance (1 of 4 stars; one submission).

Conditions:
Hydatidiform mole, recurrent, 1 (HYDM1). Identifiers: Orphanet 254688, Orphanet 99927, MedGen C3463897, MONDO:0009273, OMIM 231090. Disease mechanism: loss of function.

Submission:

Mendelics
Classification: Uncertain significance for Hydatidiform mole, recurrent, 1. Last evaluated: 2026-03-28. Review status: criteria provided, single submitter. Criteria: ACMG Guidelines, 2015. Collection method: clinical testing. Allele origin: unknown.
Comment: The available evidence is insufficient to conclusively determine the role of this variant. Therefore, it is classified as a Variant of Uncertain Significance.

NM_001127255.2(NLRP7):c.2983_*1del (p.Leu995fs)

Genes: NCR1 (natural cytotoxicity triggering receptor 1), NLRP7 (NLR family pyrin domain containing 7; minus strand). Cytogenetic location: 19q13.42.
Variant type: Deletion.
Coding change: c.2983_*1del on transcript NM_001127255.2 (MANE Select); coding-DNA position 2983 through 1 bases downstream of the stop codon, 133 bases deleted.
Protein change: p.Leu995fs; shifts the reading frame from leucine 995.
Molecular consequence: frameshift variant.
Genome position (GRCh38, 1-based): chr19:54,923,739-54,923,871, 133 bases deleted. GRCh37 (hg19): chr19:55,435,108-55,435,240.
Other names: c.2983_*1del, p.Leu995fs (NM_001405531.1); c.2899_*1del, p.Leu967fs (NM_139176.4); c.2812_*1del, p.Leu938fs (NM_206828.4); short protein forms L938fs, L967fs, L995fs.
Identifiers: ClinVar variation 4820232 (VCV004820232.1).